The following is an entry in ClinVar:

NM_018723.4(RBFOX1):c.265G>A (p.Ala89Thr)

Gene: RBFOX1 (RNA binding fox-1 homolog 1; plus strand). Cytogenetic location: 16p13.3.
Variant type: single nucleotide variant.
Coding change: c.265G>A on transcript NM_018723.4 (MANE Select); coding-DNA position 265, G replaced by A.
Protein change: p.Ala89Thr; replaces alanine 89 with threonine.
Molecular consequence: missense variant.
Genome position (GRCh38, 1-based): chr16:7,518,384, G>A. VCF-style: chr16-7518384-G-A. GRCh37 (hg19) VCF-style: chr16-7568386-G-A.
Other names: c.265G>A, p.Ala89Thr (NM_001142333.2, NM_001142334.2, NM_001364800.2 and 1 more transcripts); c.394G>A, p.Ala132Thr (NM_001308117.1, NM_001411047.1, NM_001415891.1 and 5 more transcripts); c.862G>A, p.Ala288Thr (NM_001415887.1, NM_001415888.1); c.373G>A, p.Ala125Thr (NM_001415889.1, NM_001415892.1, NM_001415894.1 and 5 more transcripts); c.340G>A, p.Ala114Thr (NM_001415890.1, NM_001415893.1, NM_001415899.1 and 4 more transcripts); c.325G>A, p.Ala109Thr (NM_001415896.1, NM_001415904.1, NM_001415906.1 and 4 more transcripts); c.271G>A, p.Ala91Thr (NM_001415902.1, NM_001415911.1, NM_001415917.1); short protein forms A109T, A132T, A288T, A125T, A91T, A114T, A89T.
Identifiers: ClinVar variation 2714690 (VCV002714690.3), dbSNP rs1437060269, ClinGen allele CA394796754.

ClinVar aggregate classification (germline): Uncertain significance (1 of 4 stars; one submission).

Conditions:
Idiopathic generalized epilepsy. Also called: EIG; Generalised epilepsy. Identifiers: MedGen C0270850, MONDO:0005579, OMIM 600669.

gnomAD v4.1: 1 of 1,608,802 alleles (0.000062%); highest among the groups gnomAD compares: Non-Finnish European, 0.000085%; no homozygotes.

Submission:

Labcorp Genetics (formerly Invitae), Labcorp
Classification: Uncertain significance for Idiopathic generalized epilepsy. Last evaluated: 2023-07-12. Review status: criteria provided, single submitter. Criteria: Invitae Variant Classification Sherloc (09022015). Collection method: clinical testing. Allele origin: germline.
Comment: In summary, the available evidence is currently insufficient to determine the role of this variant in disease. Therefore, it has been classified as a Variant of Uncertain Significance. Advanced modeling of protein sequence and biophysical properties (such as structural, functional, and spatial information, amino acid conservation, physicochemical variation, residue mobility, and thermodynamic stability) performed at Invitae indicates that this missense variant is not expected to disrupt RBFOX1 protein function. This variant has not been reported in the literature in individuals affected with RBFOX1-related conditions. This variant is not present in population databases (gnomAD no frequency). This sequence change replaces alanine, which is neutral and non-polar, with threonine, which is neutral and polar, at codon 109 of the RBFOX1 protein (p.Ala109Thr).